The following is an entry in ClinVar:

ClinVar aggregate classification (germline): Likely pathogenic (1 of 4 stars; one submission).

Submission:

GeneDx
Classification: Likely pathogenic. Last evaluated: 2025-04-23. Review status: criteria provided, single submitter. Criteria: GeneDx Variant Classification Process June 2021. Collection method: clinical testing. Allele origin: germline. Affected: yes.
Comment: Frameshift variant predicted to result in abnormal protein length as the last 149 amino acid(s) are replaced with 75 different amino acid(s), and other similar variants have been reported in HGMD; Not observed at significant frequency in large population cohorts (gnomAD); Has not been previously published as pathogenic or benign to our knowledge

NM_001080517.3(SETD5):c.3880del (p.Leu1294fs)

Gene: SETD5 (SET domain containing 5; plus strand). Cytogenetic location: 3p25.3.
Variant type: Deletion.
Coding change: c.3880del on transcript NM_001080517.3 (MANE Select); coding-DNA position 3880, one base deleted (C; older notation c.3880delC).
Protein change: p.Leu1294fs; shifts the reading frame from leucine 1294.
Molecular consequence: frameshift variant.
Genome position (GRCh38, 1-based): chr3:9,475,642, C deleted; the last of 3 consecutive C bases (chr3:9,475,640-9,475,642); deleting any one gives the same sequence. VCF-style (leftmost placement, unchanged base first): chr3-9475639-TC-T. GRCh37 (hg19) VCF-style: chr3-9517323-TC-T.
Other names: c.3586del, p.Leu1196fs (NM_001292043.2, NM_001349451.2); c.3976del, p.Leu1326fs (NM_001437633.1); c.3994del, p.Leu1332fs (NM_001437635.1); c.3937del, p.Leu1313fs (NM_001437643.1); c.3919del, p.Leu1307fs (NM_001437701.1); short protein forms L1196fs, L1294fs, L1307fs, L1313fs, L1326fs, L1332fs.
Identifiers: ClinVar variation 4528321 (VCV004528321.1).